The following is an entry in ClinVar:

ClinVar aggregate classification (germline): Uncertain significance (1 of 4 stars; one submission).

Conditions:
Autosomal recessive limb-girdle muscular dystrophy type 2U. Also called: Muscular dystrophy-dystroglycanopathy (limb-girdle), type c, 7; MUSCULAR DYSTROPHY, LIMB-GIRDLE, TYPE 2U. Identifiers: Orphanet 352479, MedGen C5190987, MONDO:0014474, OMIM 616052.
Muscular dystrophy-dystroglycanopathy (congenital with brain and eye anomalies), type A, 7. Also called: WALKER-WARBURG SYNDROME OR MUSCLE-EYE-BRAIN DISEASE, ISPD-RELATED; Congenital muscular dystrophy-dystroglycanopathy with brain and eye anomalies, type A7. Identifiers: Orphanet 899, MedGen C3553330, MONDO:0013835, OMIM 614643.

Allele frequency attached by ClinVar (database versions not stated): ExAC below 0.00001.
gnomAD v4.1: 3 of 1,583,906 alleles (0.00019%); highest among the groups gnomAD compares: Non-Finnish European, 0.00026%; no homozygotes.

Submission:

Labcorp Genetics (formerly Invitae), Labcorp
Classification: Uncertain significance for Muscular dystrophy-dystroglycanopathy (congenital with brain and eye anomalies), type A, 7; Autosomal recessive limb-girdle muscular dystrophy type 2U. Last evaluated: 2024-04-25. Review status: criteria provided, single submitter. Criteria: Invitae Variant Classification Sherloc (09022015). Collection method: clinical testing. Allele origin: germline.
Comment: This sequence change replaces proline, which is neutral and non-polar, with histidine, which is basic and polar, at codon 383 of the ISPD protein (p.Pro383His). This variant is not present in population databases (gnomAD no frequency). This variant has not been reported in the literature in individuals affected with ISPD-related conditions. ClinVar contains an entry for this variant (Variation ID: 952536). Algorithms developed to predict the effect of missense changes on protein structure and function output the following: SIFT: "Not Available"; PolyPhen-2: "Benign"; Align-GVGD: "Not Available". The histidine amino acid residue is found in multiple mammalian species, which suggests that this missense change does not adversely affect protein function. In summary, the available evidence is currently insufficient to determine the role of this variant in disease. Therefore, it has been classified as a Variant of Uncertain Significance.

NM_001101426.4(CRPPA):c.1148C>A (p.Pro383His)

Genes: CRPPA (CDP-L-ribitol pyrophosphorylase A; minus strand), CRPPA-AS1 (CRPPA antisense RNA 1; plus strand). Cytogenetic location: 7p21.2.
Variant type: single nucleotide variant.
Coding change: c.1148C>A on transcript NM_001101426.4 (MANE Select); coding-DNA position 1148, C replaced by A.
Protein change: p.Pro383His; replaces proline 383 with histidine.
Molecular consequence: missense variant. On other transcripts: non-coding transcript variant (1).
Genome position (GRCh38, 1-based): chr7:16,216,169, G>T on the plus strand (C>A on the coding strand, the complement: CRPPA is on the minus strand). VCF-style: chr7-16216169-G-T. GRCh37 (hg19) VCF-style: chr7-16255794-G-T.
Other names: c.998C>A, p.Pro333His (NM_001101417.4); c.1043C>A, p.Pro348His (NM_001368197.1); short protein forms P333H, P383H, P348H.
Identifiers: ClinVar variation 952536 (VCV000952536.10), dbSNP rs758393771, ClinGen allele CA4169367.